The following is an entry in ClinVar:

ClinVar aggregate classification (germline): Uncertain significance (1 of 4 stars; one submission).

gnomAD v4.1: 1 of 1,614,182 alleles (0.000062%); highest among the groups gnomAD compares: African/African-American, 0.0013%; no homozygotes.

Submission:

Ambry Genetics
Classification: Uncertain significance. Last evaluated: 2025-05-28. Review status: criteria provided, single submitter. Criteria: Ambry Variant Classification Scheme 2023. Collection method: clinical testing. Allele origin: germline.
Comment: The p.H571N variant (also known as c.1711C>A), located in coding exon 10 of the GALNT12 gene, results from a C to A substitution at nucleotide position 1711. The histidine at codon 571 is replaced by asparagine, an amino acid with similar properties. This amino acid position is conserved. In addition, this alteration is predicted to be tolerated by in silico analysis. Based on the available evidence, the clinical significance of this variant remains unclear.

NM_024642.5(GALNT12):c.1711C>A (p.His571Asn)

Gene: GALNT12 (polypeptide N-acetylgalactosaminyltransferase 12; plus strand). Cytogenetic location: 9q22.33.
Variant type: single nucleotide variant.
Coding change: c.1711C>A on transcript NM_024642.5 (MANE Select); coding-DNA position 1711, C replaced by A.
Protein change: p.His571Asn; replaces histidine 571 with asparagine.
Molecular consequence: missense variant.
Genome position (GRCh38, 1-based): chr9:98,849,057, C>A. VCF-style: chr9-98849057-C-A. GRCh37 (hg19) VCF-style: chr9-101611339-C-A.
Other names: short protein forms H571N.
Identifiers: ClinVar variation 4028020 (VCV004028020.1).